The following is an entry in ClinVar:

ClinVar aggregate classification (germline): Uncertain significance (1 of 4 stars; one submission).

Conditions:
Creatine transporter deficiency (CCDS1). Also called: Creatine Transporter (CRTR) Deficiency; Mental retardation , X-linked with seizures, short stature and midface hypoplasia; Mental retardation , X-linked, with creatine transport deficiency; X-linked creatine transporter deficiency; X-linked creatine deficiency syndrome; SLC6A8-Related Creatine Transporter Deficiency. Identifiers: Orphanet 52503, MedGen C1845862, MONDO:0010305, OMIM 300352.

Allele frequency attached by ClinVar (database versions not stated): gnomAD exomes below 0.00001.
gnomAD v4.1: 1 of 1,211,833 alleles (0.000083%); highest among the groups gnomAD compares: Non-Finnish European, 0.00011%; no homozygotes.

Submission:

Labcorp Genetics (formerly Invitae), Labcorp
Classification: Uncertain significance for Creatine transporter deficiency. Last evaluated: 2021-08-26. Review status: criteria provided, single submitter. Criteria: Invitae Variant Classification Sherloc (09022015). Collection method: clinical testing. Allele origin: germline.
Comment: This sequence change replaces alanine with valine at codon 204 of the SLC6A8 protein (p.Ala204Val). The alanine residue is weakly conserved and there is a small physicochemical difference between alanine and valine. This variant is not present in population databases (ExAC no frequency). This variant has not been reported in the literature in individuals affected with SLC6A8-related conditions. Algorithms developed to predict the effect of missense changes on protein structure and function are either unavailable or do not agree on the potential impact of this missense change (SIFT: "Deleterious"; PolyPhen-2: "Benign"; Align-GVGD: "Class C0"). In summary, the available evidence is currently insufficient to determine the role of this variant in disease. Therefore, it has been classified as a Variant of Uncertain Significance.

NM_005629.4(SLC6A8):c.611C>T (p.Ala204Val)

Gene: SLC6A8 (solute carrier family 6 member 8; plus strand). Cytogenetic location: Xq28.
Variant type: single nucleotide variant.
Coding change: c.611C>T on transcript NM_005629.4 (MANE Select); coding-DNA position 611, C replaced by T.
Protein change: p.Ala204Val; replaces alanine 204 with valine.
Molecular consequence: missense variant.
Genome position (GRCh38, 1-based): chrX:153,691,520, C>T. VCF-style: chrX-153691520-C-T. GRCh37 (hg19) VCF-style: chrX-152956975-C-T.
Other names: c.611C>T, p.Ala204Val (NM_001142805.2); c.266C>T, p.Ala89Val (NM_001142806.1); short protein forms A89V, A204V.
Identifiers: ClinVar variation 961708 (VCV000961708.7), dbSNP rs781871613, ClinGen allele CA415079358.